The following is an entry in ClinVar:

ClinVar aggregate classification (germline): Conflicting classifications of pathogenicity. Review status: criteria provided, conflicting classifications (1 of 4 stars). 9 submissions from 9 submitters: Uncertain significance (5); Likely benign (4). Last evaluated 2025-10-20.

Conditions:
Familial cancer of breast. Also called: Hereditary breast cancer; hereditary breast carcinoma; BREAST CANCER, FAMILIAL. Identifiers: Orphanet 227535, MedGen C0346153, MONDO:0016419, OMIM 114480. Disease mechanism: loss of function.
Breast-ovarian cancer, familial, susceptibility to, 2 (BROVCA2). Also called: BRCA2 Hereditary Breast and Ovarian Cancer. Identifiers: Orphanet 145, MedGen C2675520, MONDO:0012933, OMIM 612555. Disease mechanism: loss of function.
Wilms tumor 1 (WT1). Also called: Wilms tumor, somatic. Identifiers: Orphanet 654, MedGen CN033288, MONDO:0008679, OMIM 194070.
Pancreatic cancer, susceptibility to, 2. Identifiers: Orphanet 1333, MedGen C3150546, MONDO:0013235, OMIM 613347.
Glioma susceptibility 3 (GLM3). Also called: Glioblastoma 3. Identifiers: Orphanet 182067, Orphanet 360, MedGen C2751641, MONDO:0013093, OMIM 613029.
Familial prostate cancer. Also called: Hereditary Prostate Cancer. Identifiers: MedGen C2931456, MONDO:0700275, OMIM 176807.
Fanconi anemia complementation group D1. Also called: BRCA2-Related Fanconi Anemia. Identifiers: Orphanet 319462, MedGen C1838457, MONDO:0011584, OMIM 605724.
Medulloblastoma (MDB). Also called: MEDULLOBLASTOMA PREDISPOSITION SYNDROME; Medulloblastoma, somatic. Identifiers: Orphanet 616, MedGen C0025149, MeSH D008527, MONDO:0007959, OMIM 155255, HP:0002885.
Hereditary cancer-predisposing syndrome. Also called: Hereditary Cancer Syndrome; Neoplastic Syndromes, Hereditary; Tumor predisposition; Hereditary neoplastic syndrome. Identifiers: Orphanet 140162, MedGen C0027672, MeSH D009386, MONDO:0015356.
Hereditary breast ovarian cancer syndrome. Also called: Hereditary breast and ovarian cancer; Hereditary breast and ovarian cancer syndrome (HBOC); Hereditary breast and/or ovarian cancer syndrome; Hereditary breast and ovarian cancer syndrome; Breast and ovarian cancer; BRCA1- and BRCA2-Associated Hereditary Breast and Ovarian Cancer. Identifiers: Orphanet 145, MedGen C0677776, MeSH D061325, MONDO:0003582. Disease mechanism: loss of function.

Allele frequency attached by ClinVar (database versions not stated): gnomAD exomes below 0.00001.
gnomAD v4.1: 2 of 1,613,072 alleles (0.00012%); highest among the groups gnomAD compares: Non-Finnish European, 0.00017%; no homozygotes.

Submissions (9):

Labcorp Genetics (formerly Invitae), Labcorp
Classification: Uncertain significance for Hereditary breast ovarian cancer syndrome. Last evaluated: 2025-10-20. Review status: criteria provided, single submitter. Criteria: Invitae Variant Classification Sherloc (09022015). Collection method: clinical testing. Allele origin: germline.
Comment: This sequence change replaces threonine, which is neutral and polar, with alanine, which is neutral and non-polar, at codon 1887 of the BRCA2 protein (p.Thr1887Ala). This variant is present in population databases (rs786202618, gnomAD 0.0009%). This missense change has been observed in individual(s) with personal and/or family history of breast cancer (PMID: 20104584, 26625824, 34326862). ClinVar contains an entry for this variant (Variation ID: 185995). Invitae Evidence Modeling of protein sequence and biophysical properties (such as structural, functional, and spatial information, amino acid conservation, physicochemical variation, residue mobility, and thermodynamic stability) indicates that this missense variant is not expected to disrupt BRCA2 protein function with a negative predictive value of 95%. In summary, the available evidence is currently insufficient to determine the role of this variant in disease. Therefore, it has been classified as a Variant of Uncertain Significance.

Quest Diagnostics Nichols Institute San Juan Capistrano
Classification: Uncertain significance. Last evaluated: 2025-05-28. Review status: criteria provided, single submitter. Criteria: Quest Diagnostics criteria. Collection method: clinical testing. Allele origin: unknown.
Comment: The BRCA2 c.5659A>G (p.Thr1887Ala) variant has been reported in the published literature in individuals with breast cancer (PMID: 26625824 (2015), 20104584 (2010)), or with a family history of cancer (PMID: 34326862 (2021)). This variant has been reported to be located in a region of the BRCA2 gene that is tolerant to missense sequence changes (PMID: 31911673 (2020)). The frequency of this variant in the general population (Genome Aggregation Database) is uninformative in the assessment of its pathogenicity. Analysis of this variant using bioinformatics tools for the prediction of the effect of amino acid changes on protein structure and function yielded predictions that this variant is benign. Based on the available information, we are unable to determine the clinical significance of this variant.

Women's Health and Genetics/Laboratory Corporation of America, LabCorp
Classification: Uncertain significance. Last evaluated: 2025-02-27. Review status: criteria provided, single submitter. Criteria: LabCorp Variant Classification Summary - May 2015. Collection method: clinical testing. Allele origin: germline.
Comment: Variant summary: BRCA2 c.5659A>G (p.Thr1887Ala) results in a non-conservative amino acid change in the encoded protein sequence. Four of five in-silico tools predict a benign effect of the variant on protein function. The variant allele was found at a frequency of 4e-06 in 249838 control chromosomes. The available data on variant occurrences in the general population are insufficient to allow any conclusion about variant significance. c.5659A>G has been reported in the literature in individuals with a personal or family history of Hereditary Breast And Ovarian Cancer Syndrome (e.g., Borg_2010, Ermolenko_2015, Bhai_2021). These reports do not provide unequivocal conclusions about association of the variant with Hereditary Breast And Ovarian Cancer Syndrome. To our knowledge, no experimental evidence demonstrating an impact on protein function has been reported. The following publications have been ascertained in the context of this evaluation (PMID: 34326862, 20104584, 26625824). ClinVar contains an entry for this variant (Variation ID: 185995). Based on the evidence outlined above, the variant was classified as uncertain significance.

Fulgent Genetics
Classification: Uncertain significance for Familial cancer of breast; Medulloblastoma; Familial prostate cancer; Wilms tumor 1; Fanconi anemia complementation group D1; Breast-ovarian cancer, familial, susceptibility to, 2; Glioma susceptibility 3; Pancreatic cancer, susceptibility to, 2. Last evaluated: 2024-04-02. Review status: criteria provided, single submitter. Criteria: ACMG Guidelines, 2015. Collection method: clinical testing. Allele origin: germline.

Ambry Genetics
Classification: Uncertain significance for Hereditary cancer-predisposing syndrome. Last evaluated: 2024-01-22. Review status: criteria provided, single submitter. Criteria: Ambry Variant Classification Scheme 2023. Collection method: clinical testing. Allele origin: germline.
Comment: The p.T1887A variant (also known as c.5659A>G), located in coding exon 10 of the BRCA2 gene, results from an A to G substitution at nucleotide position 5659. The threonine at codon 1887 is replaced by alanine, an amino acid with similar properties. This variant was reported in one individual diagnosed with unilateral breast cancer in the WECARE study (Borg A et al. Hum Mutat. 2010 Mar;31(3):E1200-40). This amino acid position is not well conserved in available vertebrate species. In addition, this alteration is predicted to be tolerated by in silico analysis. Since supporting evidence is limited at this time, the clinical significance of this alteration remains unclear.

All of Us Research Program, National Institutes of Health
Classification: Likely benign for Breast-ovarian cancer, familial, susceptibility to, 2. Last evaluated: 2023-04-28. Review status: criteria provided, single submitter. Criteria: ACMG Guidelines, 2015. Collection method: clinical testing. Allele origin: germline. Inheritance: Autosomal dominant inheritance. Observed: 1 variant allele, 1 heterozygote.
Comment: This study involves interpretation of variants in research participants for the purpose of population health screening. Participant phenotype was not available at the time of variant classification. Additional details can be found in publication PMID: 35346344, PMCID: PMC8962531

University of Washington Department of Laboratory Medicine, University of Washington
Classification: Likely benign for Hereditary cancer-predisposing syndrome. Last evaluated: 2023-03-23. Review status: criteria provided, single submitter. Criteria: Dines et al. (Genet Med. 2020). Collection method: curation. Allele origin: germline.
Comment: Missense variant in a coldspot region where missense variants are very unlikely to be pathogenic (PMID:31911673).

BRCA2 exon 11 coldspot. Reclassification based on statistical prior probability.

Color Diagnostics, LLC DBA Color Health
Classification: Likely benign for Hereditary cancer-predisposing syndrome. Last evaluated: 2017-08-25. Review status: criteria provided, single submitter. Criteria: ACMG Guidelines, 2015. Collection method: clinical testing. Allele origin: germline.

GeneDx
Classification: Likely benign. Last evaluated: 2016-08-08. Review status: criteria provided, single submitter. Criteria: GeneDx Variant Classification (06012015). Collection method: clinical testing. Allele origin: germline. Affected: yes.
Comment: This variant is considered likely benign or benign based on one or more of the following criteria: it is a conservative change, it occurs at a poorly conserved position in the protein, it is predicted to be benign by multiple in silico algorithms, and/or has population frequency not consistent with disease.

Literature cited by the submitters: PubMed 20104584 (cited by 3 submitters); PubMed 26625824 (cited by 3 submitters); PubMed 34326862 (cited by 3 submitters); PubMed 31911673 (cited by Quest Diagnostics Nichols Institute San Juan Capistrano).

NM_000059.4(BRCA2):c.5659A>G (p.Thr1887Ala)

Gene: BRCA2 (BRCA2 DNA repair associated; plus strand). Cytogenetic location: 13q13.1.
Variant type: single nucleotide variant.
Coding change: c.5659A>G on transcript NM_000059.4 (MANE Select); coding-DNA position 5659, A replaced by G.
Protein change: p.Thr1887Ala; replaces threonine 1887 with alanine.
Molecular consequence: missense variant.
Genome position (GRCh38, 1-based): chr13:32,340,014, A>G. VCF-style: chr13-32340014-A-G. GRCh37 (hg19) VCF-style: chr13-32914151-A-G.
Other names: short protein forms T1887A.
Identifiers: ClinVar variation 185995 (VCV000185995.23), dbSNP rs786202618, ClinGen allele CA022882.